The following is an entry in ClinVar:

ClinVar aggregate classification (germline): Uncertain significance. Review status: criteria provided, multiple submitters, no conflicts (2 of 4 stars). 3 submissions from 3 submitters: Uncertain significance (3). Last evaluated 2026-02-17.

Conditions:
Hereditary cancer-predisposing syndrome. Also called: Tumor predisposition; Neoplastic Syndromes, Hereditary; Hereditary neoplastic syndrome; Hereditary Cancer Syndrome. Identifiers: Orphanet 140162, MedGen C0027672, MeSH D009386, MONDO:0015356.
EGFR-related lung cancer (EGFR). Identifiers: MedGen CN130014.

Allele frequency attached by ClinVar (database versions not stated): gnomAD 0.00001; gnomAD exomes 0.00002 and 0.00001; ExAC 0.00002.
gnomAD v4.1: 12 of 1,613,370 alleles (0.00074%); highest among the groups gnomAD compares: Admixed American, 0.0017%; no homozygotes.

Submissions (3):

Dasa
Classification: Uncertain significance. Last evaluated: 2026-02-17. Review status: criteria provided, single submitter. Criteria: DASA Assertion Criteria. Collection method: clinical testing. Allele origin: germline.
Comment: NM_005228.5(EGFR):c.2006G>A (p.Arg669Gln) is a missense variant that results in the substitution of arginine with glutamine. This variant is rare in population databases. The currently available literature and clinical evidence are not sufficient to establish a definitive association between this variant and the reported condition. Therefore, this variant is classified as a variant of uncertain significance.

Labcorp Genetics (formerly Invitae), Labcorp
Classification: Uncertain significance for EGFR-related lung cancer. Last evaluated: 2025-11-10. Review status: criteria provided, single submitter. Criteria: Invitae Variant Classification Sherloc (09022015). Collection method: clinical testing. Allele origin: germline.
Comment: This sequence change replaces arginine, which is basic and polar, with glutamine, which is neutral and polar, at codon 669 of the EGFR protein (p.Arg669Gln). This variant is present in population databases (rs768336804, gnomAD 0.01%). This variant has not been reported in the literature in individuals affected with EGFR-related conditions. ClinVar contains an entry for this variant (Variation ID: 1021254). Invitae Evidence Modeling of protein sequence and biophysical properties (such as structural, functional, and spatial information, amino acid conservation, physicochemical variation, residue mobility, and thermodynamic stability) indicates that this missense variant is expected to disrupt EGFR protein function with a positive predictive value of 80%. In summary, the available evidence is currently insufficient to determine the role of this variant in disease. Therefore, it has been classified as a Variant of Uncertain Significance.

Ambry Genetics
Classification: Uncertain significance for Hereditary cancer-predisposing syndrome. Last evaluated: 2025-04-28. Review status: criteria provided, single submitter. Criteria: Ambry Variant Classification Scheme 2023. Collection method: clinical testing. Allele origin: germline.
Comment: The p.R669Q variant (also known as c.2006G>A), located in coding exon 17 of the EGFR gene, results from a G to A substitution at nucleotide position 2006. The arginine at codon 669 is replaced by glutamine, an amino acid with highly similar properties. This amino acid position is highly conserved in available vertebrate species. In addition, the in silico prediction for this alteration is inconclusive. Based on the available evidence, the clinical significance of this variant remains unclear.

NM_005228.5(EGFR):c.2006G>A (p.Arg669Gln)

Gene: EGFR (epidermal growth factor receptor; plus strand). Cytogenetic location: 7p11.2.
Variant type: single nucleotide variant.
Coding change: c.2006G>A on transcript NM_005228.5 (MANE Select); coding-DNA position 2006, G replaced by A.
Protein change: p.Arg669Gln; replaces arginine 669 with glutamine.
Molecular consequence: missense variant.
Genome position (GRCh38, 1-based): chr7:55,173,069, G>A. VCF-style: chr7-55173069-G-A. GRCh37 (hg19) VCF-style: chr7-55240762-G-A.
Other names: c.2006G>A (NM_005228.3); c.1871G>A, p.Arg624Gln (NM_001346897.2, NM_001346899.2); c.2006G>A, p.Arg669Gln (NM_001346898.2); c.1847G>A, p.Arg616Gln (NM_001346900.2); c.1205G>A, p.Arg402Gln (NM_001346941.2); short protein forms R402Q, R616Q, R624Q, R669Q.
Identifiers: ClinVar variation 1021254 (VCV001021254.11), dbSNP rs768336804, ClinGen allele CA4265935.